The following is an entry in ClinVar:

NC_000023.10:g.(?_32662229)_(32867957_?)del

Gene: DMD (dystrophin; minus strand). Cytogenetic location: Xp21.1.
Variant type: Deletion.
Identifiers: ClinVar variation 2424830 (VCV002424830.4).

ClinVar aggregate classification (germline): Pathogenic (1 of 4 stars; one submission).

Conditions:
Duchenne muscular dystrophy (DMD). Also called: Duchenne Muscular Dystrophy (DMD); MUSCULAR DYSTROPHY, PSEUDOHYPERTROPHIC PROGRESSIVE, DUCHENNE TYPE. Identifiers: Orphanet 98896, MedGen C0013264, MONDO:0010679, OMIM 310200.

Submission:

Labcorp Genetics (formerly Invitae), Labcorp
Classification: Pathogenic for Duchenne muscular dystrophy. Last evaluated: 2022-07-22. Review status: criteria provided, single submitter. Criteria: Invitae Variant Classification Sherloc (09022015). Collection method: clinical testing. Allele origin: germline.
Comment: This variant is a gross deletion of the genomic region encompassing exon(s) 3-11 of the DMD gene. This deletion is out-of-frame, and is expected to create a premature termination codon and result in an absent or disrupted protein product. Loss-of-function variants in DMD are known to be pathogenic (PMID: 16770791, 25007885). A similar copy number variant has been observed in individual(s) with clinical features of DMD-related conditions (PMID: 18348289, 25482253). For these reasons, this variant has been classified as Pathogenic.

Literature cited by the submitters: PubMed 16770791; PubMed 25007885; PubMed 18348289; PubMed 25482253.